The following is an entry in ClinVar:

ClinVar aggregate classification (germline): Uncertain significance (1 of 4 stars; one submission).

Conditions:
Senior-Loken syndrome 8 (SLSN8). Identifiers: Orphanet 3156, MedGen C4225376, MONDO:0014579, OMIM 616307.
Asphyxiating thoracic dystrophy 5 (SRTD5). Also called: SHORT-RIB THORACIC DYSPLASIA 5 WITHOUT POLYDACTYLY; SHORT-RIB THORACIC DYSPLASIA 5 WITH OR WITHOUT POLYDACTYLY. Identifiers: Orphanet 474, MedGen C3280598, MONDO:0013717, OMIM 614376.

Submission:

Labcorp Genetics (formerly Invitae), Labcorp
Classification: Uncertain significance for Senior-Loken syndrome 8; Asphyxiating thoracic dystrophy 5. Last evaluated: 2022-07-21. Review status: criteria provided, single submitter. Criteria: Invitae Variant Classification Sherloc (09022015). Collection method: clinical testing. Allele origin: germline.
Comment: In summary, the available evidence is currently insufficient to determine the role of this variant in disease. Therefore, it has been classified as a Variant of Uncertain Significance. Algorithms developed to predict the effect of missense changes on protein structure and function (SIFT, PolyPhen-2, Align-GVGD) all suggest that this variant is likely to be tolerated. This variant has not been reported in the literature in individuals affected with WDR19-related conditions. This variant is not present in population databases (gnomAD no frequency). This sequence change replaces lysine, which is basic and polar, with asparagine, which is neutral and polar, at codon 978 of the WDR19 protein (p.Lys978Asn).

NM_025132.4(WDR19):c.2934A>C (p.Lys978Asn)

Gene: WDR19 (WD repeat domain 19; plus strand). Cytogenetic location: 4p14.
Variant type: single nucleotide variant.
Coding change: c.2934A>C on transcript NM_025132.4 (MANE Select); coding-DNA position 2934, A replaced by C.
Protein change: p.Lys978Asn; replaces lysine 978 with asparagine.
Molecular consequence: missense variant.
Genome position (GRCh38, 1-based): chr4:39,253,963, A>C. VCF-style: chr4-39253963-A-C. GRCh37 (hg19) VCF-style: chr4-39255583-A-C.
Other names: c.2454A>C, p.Lys818Asn (NM_001317924.2); short protein forms K818N, K978N.
Identifiers: ClinVar variation 1722281 (VCV001722281.5), dbSNP rs1290822371, ClinGen allele CA356641841.
Genomic context (GRCh38, chr4:39,253,963, plus strand): 5'-TAGGTTTTTTCTACAGCTTGGTGACTATGGGTCTGCCATCCAGTTTCTTGTCATGTCCAA[A>C]TGCAACAATGAAGCTTTCACACTGGCTCAGCAACACAACAAAATGGAAATCTATGCAGAT-3'
Protein context (NP_079408.3, residues 968-988): GSAIQFLVMS[Lys978Asn]CNNEAFTLAQ